The following is an entry in ClinVar:

NM_005035.4(POLRMT):c.2550G>A (p.Gly850=)

Gene: POLRMT (RNA polymerase mitochondrial; minus strand). Cytogenetic location: 19p13.3.
Variant type: single nucleotide variant.
Coding change: c.2550G>A on transcript NM_005035.4 (MANE Select); coding-DNA position 2550, G replaced by A.
Protein change: p.Gly850=; no amino-acid change (glycine 850 retained).
Molecular consequence: synonymous variant.
Genome position (GRCh38, 1-based): chr19:621,148, C>T on the plus strand (G>A on the coding strand, the complement: POLRMT is on the minus strand). VCF-style: chr19-621148-C-T. GRCh37 (hg19) VCF-style: chr19-621148-C-T.
Identifiers: ClinVar variation 713834 (VCV000713834.27), dbSNP rs143192895, ClinGen allele CA9019894.

ClinVar aggregate classification (germline): Benign/Likely benign. Review status: criteria provided, multiple submitters, no conflicts (2 of 4 stars). 3 submissions from 3 submitters: Benign (2); Likely benign (1). Last evaluated 2026-09-01.

Allele frequency attached by ClinVar (database versions not stated): gnomAD 0.00236 and 0.00242; TOPMed 0.00294; gnomAD exomes 0.00296 and 0.00311; ExAC 0.00298; 1000 Genomes Project 0.00300; ESP Exome Variant Server 0.00323.
gnomAD v4.1: 4,909 of 1,611,056 alleles (0.3%); highest among the groups gnomAD compares: Middle Eastern, 0.62%; 16 homozygotes.

Submissions (3):

CeGaT Center for Human Genetics Tuebingen
Classification: Likely benign. Last evaluated: 2026-09-01. Review status: criteria provided, single submitter. Criteria: CeGaT Center For Human Genetics Tuebingen Variant Classification Criteria Version 2. Collection method: clinical testing. Allele origin: germline. Affected: yes. Observed: 7 variant alleles.
Comment: POLRMT: BP4, BP7, BS2

Labcorp Genetics (formerly Invitae), Labcorp
Classification: Benign. Last evaluated: 2017-11-15. Review status: criteria provided, single submitter. Criteria: Invitae Variant Classification Sherloc (09022015). Collection method: clinical testing. Allele origin: germline.

Breakthrough Genomics
Classification: Benign. Review status: criteria provided, single submitter. Criteria: ACMG Guidelines, 2015. Collection method: not provided. Allele origin: germline. Inheritance: Autosomal recessive inheritance. Affected: yes.